The following is an entry in ClinVar:

ClinVar aggregate classification (germline): Conflicting classifications of pathogenicity. Review status: criteria provided, conflicting classifications (1 of 4 stars). 6 submissions from 6 submitters: Uncertain significance (1); Benign (1); Likely benign (2). 2 of the submissions do not count toward it. Last evaluated 2026-01-24.

Conditions:
Senior-Loken syndrome 8 (SLSN8). Identifiers: Orphanet 3156, MedGen C4225376, MONDO:0014579, OMIM 616307.
Asphyxiating thoracic dystrophy 5 (SRTD5). Also called: SHORT-RIB THORACIC DYSPLASIA 5 WITH OR WITHOUT POLYDACTYLY; SHORT-RIB THORACIC DYSPLASIA 5 WITHOUT POLYDACTYLY. Identifiers: Orphanet 474, MedGen C3280598, MONDO:0013717, OMIM 614376.

Allele frequency attached by ClinVar (database versions not stated): gnomAD exomes 0.00010 and 0.00026; ExAC 0.00040; 1000 Genomes Project 30x 0.00094; gnomAD 0.00099; TOPMed 0.00099; 1000 Genomes Project 0.00120; ESP Exome Variant Server 0.00134.
gnomAD v4.1: 288 of 1,613,434 alleles (0.018%); highest among the groups gnomAD compares: African/African-American, 0.36%; no homozygotes.

Submissions (6):

Labcorp Genetics (formerly Invitae), Labcorp
Classification: Benign for Senior-Loken syndrome 8; Asphyxiating thoracic dystrophy 5. Last evaluated: 2026-01-24. Review status: criteria provided, single submitter. Criteria: Invitae Variant Classification Sherloc (09022015). Collection method: clinical testing. Allele origin: germline.

Blueprint Genetics
Classification: Likely benign. Last evaluated: 2024-09-05. Review status: criteria provided, single submitter. Criteria: ACMG Guidelines, 2015. Collection method: clinical testing. Allele origin: germline.

ARUP Laboratories, Molecular Genetics and Genomics, ARUP Laboratories
Classification: Likely benign. Last evaluated: 2018-05-18. Review status: criteria provided, single submitter. Criteria: ARUP Molecular Germline Variant Investigation Process. Collection method: clinical testing. Allele origin: germline.
Comment: The WDR19 c.2715G>A; p.Lys905Lys variant (rs200339331), to our knowledge, is not described in the medical literature but is reported as a variant of uncertain significance in ClinVar (Variation ID: 286679) and observed in the African population at an overall frequency of 0.34% (81/23972 alleles) in the Genome Aggregation Database. This is a synonymous variant at a nucleotide that is not conserved, and computational algorithms (Alamut v.2.11) predict no impact on splicing. Based on available information, this variant is considered likely benign.

Eurofins Ntd Llc (ga)
Classification: Uncertain significance. Last evaluated: 2016-03-22. Review status: criteria provided, single submitter. Criteria: EGL Classification Definitions 2015. Collection method: clinical testing. Allele origin: germline. Observed: 1 variant allele, 1 heterozygote.

Clinical Genetics DNA and cytogenetics Diagnostics Lab, Erasmus MC, Erasmus Medical Center
Classification: Likely benign. Review status: no assertion criteria provided. Collection method: clinical testing. Allele origin: germline. Affected: yes. Study: VKGL Data-share Consensus. Not counted in ClinVar's aggregate classification.

Clinical Genetics, Academic Medical Center
Classification: Likely benign. Review status: no assertion criteria provided. Collection method: clinical testing. Allele origin: germline. Affected: yes. Study: VKGL Data-share Consensus. Not counted in ClinVar's aggregate classification.

NM_025132.4(WDR19):c.2715G>A (p.Lys905=)

Gene: WDR19 (WD repeat domain 19; plus strand). Cytogenetic location: 4p14.
Variant type: single nucleotide variant.
Coding change: c.2715G>A on transcript NM_025132.4 (MANE Select); coding-DNA position 2715, G replaced by A.
Protein change: p.Lys905=; no amino-acid change (lysine 905 retained).
Molecular consequence: synonymous variant.
Genome position (GRCh38, 1-based): chr4:39,245,438, G>A. VCF-style: chr4-39245438-G-A. GRCh37 (hg19) VCF-style: chr4-39247058-G-A.
Other names: c.2235G>A, p.Lys745= (NM_001317924.2).
Identifiers: ClinVar variation 286679 (VCV000286679.28), dbSNP rs200339331, ClinGen allele CA2892166.
Genomic context (GRCh38, chr4:39,245,438, plus strand): 5'-TGGTGATCTTCTGCCCCACGTTTCTTCTCCTAAGATCCATTTGCAGTATGCCAAAGCCAA[G>A]GAAGCAGATGGAAGGTTTGTACACTTTCTCAAATTTATACCAATTTAAAGTAATGTAAGC-3'
Protein context (NP_079408.3, residues 895-915): PKIHLQYAKA[Lys905=]EADGRYKEAV